The following is an entry in ClinVar:

NM_001374736.1(DST):c.21967C>G (p.Pro7323Ala)

Gene: DST (dystonin; minus strand). Cytogenetic location: 6p12.1.
Variant type: single nucleotide variant.
Coding change: c.21967C>G on transcript NM_001374736.1 (MANE Select); coding-DNA position 21967, C replaced by G.
Protein change: p.Pro7323Ala; replaces proline 7323 with alanine.
Molecular consequence: missense variant.
Genome position (GRCh38, 1-based): chr6:56,473,900, G>C on the plus strand (C>G on the coding strand, the complement: DST is on the minus strand). VCF-style: chr6-56473900-G-C. GRCh37 (hg19) VCF-style: chr6-56338698-G-C.
Other names: c.15610C>G, p.Pro5204Ala (NM_001144769.5); c.15196C>G, p.Pro5066Ala (NM_001144770.2); c.21967C>G, p.Pro7323Ala (NM_001374722.1); c.21007C>G, p.Pro7003Ala (NM_001374729.1); c.14749C>G, p.Pro4917Ala (NM_001374730.1); c.21994C>G, p.Pro7332Ala (NM_001374734.1); c.15076C>G, p.Pro5026Ala (NM_001386100.1, NM_183380.4); c.14098C>G, p.Pro4700Ala (NM_015548.5); short protein forms P5026A, P7003A, P5066A, P7323A, P7332A, P4700A, P4917A, P5204A.
Identifiers: ClinVar variation 1775265 (VCV001775265.2), dbSNP rs2533508759, ClinGen allele CA364509548.
Genomic context (GRCh38, chr6:56,473,900, plus strand): 5'-ATTGACATTTTAAAGAAATTGATCACTGCTTACTTCCTGCTCGTCCCTTATCCAAGACTG[G>C]AATATGGGATTGTAATGAGGAAGGATCAGCAGCTCTCCTCTTATAGGTCTTCGTTACTTT-3'
Protein context (NP_001361665.1, residues 7313-7333): ADPSSLQSHI[Pro7323Ala]VLDKGRAGRK

ClinVar aggregate classification (germline): Uncertain significance (1 of 4 stars; one submission).

Conditions:
Inborn genetic diseases. Identifiers: MedGen C0950123, MeSH D030342.

Submission:

Ambry Genetics
Classification: Uncertain significance for Inborn genetic diseases. Last evaluated: 2022-05-12. Review status: criteria provided, single submitter. Criteria: Ambry Variant Classification Scheme 2023. Collection method: clinical testing. Allele origin: germline.
Comment: The p.P5204A variant (also known as c.15610C>G), located in coding exon 87 of the DST gene, results from a C to G substitution at nucleotide position 15610. The proline at codon 5204 is replaced by alanine, an amino acid with highly similar properties. This amino acid position is highly conserved in available vertebrate species. In addition, the in silico prediction for this alteration is inconclusive. Since supporting evidence is limited at this time, the clinical significance of this alteration remains unclear.